The following is an entry in ClinVar:

ClinVar aggregate classification (germline): Uncertain significance (1 of 4 stars; one submission).

Submission:

Labcorp Genetics (formerly Invitae), Labcorp
Classification: Uncertain significance. Last evaluated: 2025-10-25. Review status: criteria provided, single submitter. Criteria: Invitae Variant Classification Sherloc (09022015). Collection method: clinical testing. Allele origin: germline.
Comment: This sequence change replaces valine, which is neutral and non-polar, with methionine, which is neutral and non-polar, at codon 24 of the TNFRSF6B protein (p.Val24Met). This variant is not present in population databases (gnomAD no frequency). This variant has not been reported in the literature in individuals affected with TNFRSF6B-related conditions. ClinVar contains an entry for this variant (Variation ID: 2985007). An algorithm developed to predict the effect of missense changes on protein structure and function outputs the following: PolyPhen-2: "Not Available". The methionine amino acid residue is found in multiple mammalian species, which suggests that this missense change does not adversely affect protein function. In summary, the available evidence is currently insufficient to determine the role of this variant in disease. Therefore, it has been classified as a Variant of Uncertain Significance.

NM_003823.4(TNFRSF6B):c.70G>A (p.Val24Met)

Genes: TNFRSF6B (TNF receptor superfamily member 6b; plus strand), RTEL1-TNFRSF6B (RTEL1-TNFRSF6B readthrough (NMD candidate); plus strand). Cytogenetic location: 20q13.33.
Variant type: single nucleotide variant.
Coding change: c.70G>A on transcript NM_003823.4 (MANE Select); coding-DNA position 70, G replaced by A.
Protein change: p.Val24Met; replaces valine 24 with methionine.
Molecular consequence: missense variant. On other transcripts: non-coding transcript variant (1).
Genome position (GRCh38, 1-based): chr20:63,696,837, G>A. VCF-style: chr20-63696837-G-A. GRCh37 (hg19) VCF-style: chr20-62328190-G-A.
Other names: short protein forms V24M.
Identifiers: ClinVar variation 2985007 (VCV002985007.3), dbSNP rs778530785, ClinGen allele CA409710709.